The following is an entry in ClinVar:

NM_000138.5(FBN1):c.5901T>A (p.Asp1967Glu)

Gene: FBN1 (fibrillin 1; minus strand). Cytogenetic location: 15q21.1.
Variant type: single nucleotide variant.
Coding change: c.5901T>A on transcript NM_000138.5 (MANE Select); coding-DNA position 5901, T replaced by A.
Protein change: p.Asp1967Glu; replaces aspartic acid 1967 with glutamic acid.
Molecular consequence: missense variant.
Genome position (GRCh38, 1-based): chr15:48,445,392, A>T on the plus strand (T>A on the coding strand, the complement: FBN1 is on the minus strand). VCF-style: chr15-48445392-A-T. GRCh37 (hg19) VCF-style: chr15-48737589-A-T.
Other names: short protein forms D1967E.
Identifiers: ClinVar variation 632806 (VCV000632806.1), dbSNP rs1566898401, ClinGen allele CA392339953.

ClinVar aggregate classification (germline): Uncertain significance (1 of 4 stars; one submission).

Submission:

Women's Health and Genetics/Laboratory Corporation of America, LabCorp
Classification: Uncertain significance. Last evaluated: 2018-04-16. Review status: criteria provided, single submitter. Criteria: LabCorp Variant Classification Summary - May 2015. Collection method: clinical testing. Allele origin: germline.
Comment: Variant summary: FBN1 c.5901T>A (p.Asp1967Glu) results in a conservative amino acid change located in the EGF-like calcium-binding domain of the encoded protein sequence. Four of five in-silico tools predict a damaging effect of the variant on protein function. The variant was absent in 245486 control chromosomes. The available data on variant occurrences in the general population are insufficient to allow any conclusion about variant significance. To our knowledge, no occurrence of c.5901T>A in individuals affected with Aortopathy and no experimental evidence demonstrating its impact on protein function have been reported. No clinical diagnostic laboratories have submitted clinical-significance assessments for this variant to ClinVar after 2014. Based on the evidence outlined above, the variant was classified as uncertain significance.